The following is an entry in ClinVar:

ClinVar aggregate classification (germline): Likely benign (1 of 4 stars; one submission).

Submission:

Laboratory for Molecular Medicine, Mass General Brigham Personalized Medicine
Classification: Likely benign. Last evaluated: 2015-04-27. Review status: criteria provided, single submitter. Criteria: LMM Criteria. Collection method: clinical testing. Allele origin: germline. Observed: 1 variant allele.
Comment: p.Arg290Arg in exon 2 of MURC: This variant is not expected to have clinical sig nificance because it does not alter an amino acid residue and is not located wit hin the splice consensus sequence.

NM_001018116.2(CAVIN4):c.868A>C (p.Arg290=)

Gene: CAVIN4 (caveolae associated protein 4; plus strand). Cytogenetic location: 9q31.1.
Variant type: single nucleotide variant.
Coding change: c.868A>C on transcript NM_001018116.2 (MANE Select); coding-DNA position 868, A replaced by C.
Protein change: p.Arg290=; no amino-acid change (arginine 290 retained).
Molecular consequence: synonymous variant.
Genome position (GRCh38, 1-based): chr9:100,586,224, A>C. VCF-style: chr9-100586224-A-C. GRCh37 (hg19) VCF-style: chr9-103348506-A-C.
Identifiers: ClinVar variation 227560 (VCV000227560.4), dbSNP rs876657509, ClinGen allele CA10576739.